The following is an entry in ClinVar:

NM_000059.4(BRCA2):c.6824A>T (p.Glu2275Val)

Gene: BRCA2 (BRCA2 DNA repair associated; plus strand). Cytogenetic location: 13q13.1.
Variant type: single nucleotide variant.
Coding change: c.6824A>T on transcript NM_000059.4 (MANE Select); coding-DNA position 6824, A replaced by T.
Protein change: p.Glu2275Val; replaces glutamic acid 2275 with valine.
Molecular consequence: missense variant.
Genome position (GRCh38, 1-based): chr13:32,341,179, A>T. VCF-style: chr13-32341179-A-T. GRCh37 (hg19) VCF-style: chr13-32915316-A-T.
Other names: short protein forms E2275V.
Identifiers: ClinVar variation 1394564 (VCV001394564.9), dbSNP rs2137530962, ClinGen allele CA387791453.

ClinVar aggregate classification (germline): Conflicting classifications of pathogenicity. Review status: criteria provided, conflicting classifications (1 of 4 stars). 2 submissions from 2 submitters: Uncertain significance (1); Likely benign (1). Last evaluated 2023-03-23.

Conditions:
Hereditary cancer-predisposing syndrome. Also called: Neoplastic Syndromes, Hereditary; Hereditary neoplastic syndrome; Tumor predisposition; Hereditary Cancer Syndrome. Identifiers: Orphanet 140162, MedGen C0027672, MeSH D009386, MONDO:0015356.
Hereditary breast ovarian cancer syndrome. Also called: BRCA1- and BRCA2-Associated Hereditary Breast and Ovarian Cancer; Hereditary breast and ovarian cancer syndrome (HBOC); Hereditary breast and ovarian cancer syndrome; Hereditary breast and ovarian cancer; Breast and ovarian cancer; Hereditary breast and/or ovarian cancer syndrome. Identifiers: Orphanet 145, MedGen C0677776, MeSH D061325, MONDO:0003582. Disease mechanism: loss of function.

Submissions (2):

University of Washington Department of Laboratory Medicine, University of Washington
Classification: Likely benign for Hereditary cancer-predisposing syndrome. Last evaluated: 2023-03-23. Review status: criteria provided, single submitter. Criteria: Dines et al. (Genet Med. 2020). Collection method: curation. Allele origin: germline.
Comment: Missense variant in a coldspot region where missense variants are very unlikely to be pathogenic (PMID:31911673).

BRCA2 exon 11 coldspot. Reclassification based on statistical prior probability.

Labcorp Genetics (formerly Invitae), Labcorp
Classification: Uncertain significance for Hereditary breast ovarian cancer syndrome. Last evaluated: 2021-05-19. Review status: criteria provided, single submitter. Criteria: Invitae Variant Classification Sherloc (09022015). Collection method: clinical testing. Allele origin: germline.
Comment: Advanced modeling of protein sequence and biophysical properties (such as structural, functional, and spatial information, amino acid conservation, physicochemical variation, residue mobility, and thermodynamic stability) performed at Invitae indicates that this missense variant is not expected to disrupt BRCA2 protein function. In summary, the available evidence is currently insufficient to determine the role of this variant in disease. Therefore, it has been classified as a Variant of Uncertain Significance. This variant has not been reported in the literature in individuals with BRCA2-related conditions. This variant is not present in population databases (ExAC no frequency). This sequence change replaces glutamic acid with valine at codon 2275 of the BRCA2 protein (p.Glu2275Val). The glutamic acid residue is weakly conserved and there is a moderate physicochemical difference between glutamic acid and valine.